The following is an entry in ClinVar:

NM_004006.3(DMD):c.9851G>A (p.Trp3284Ter)

Gene: DMD (dystrophin; minus strand). Cytogenetic location: Xp21.2.
Variant type: single nucleotide variant.
Coding change: c.9851G>A on transcript NM_004006.3 (MANE Select); coding-DNA position 9851, G replaced by A.
Protein change: p.Trp3284Ter; replaces tryptophan 3284 with a stop codon.
Molecular consequence: nonsense.
Genome position (GRCh38, 1-based): chrX:31,182,861, C>T on the plus strand (G>A on the coding strand, the complement: DMD is on the minus strand). VCF-style: chrX-31182861-C-T. GRCh37 (hg19) VCF-style: chrX-31200978-C-T.
Other names: p.(Trp3284Ter); c.9827G>A, p.Trp3276Ter (NM_000109.4); c.9839G>A, p.Trp3280Ter (NM_004009.3); c.9482G>A, p.Trp3161Ter (NM_004010.3); c.5828G>A, p.Trp1943Ter (NM_004011.4); c.5819G>A, p.Trp1940Ter (NM_004012.4); c.2471G>A, p.Trp824Ter (NM_004013.3, NM_004020.4, NM_004021.3 and 2 more transcripts); c.1664G>A, p.Trp555Ter (NM_004014.3); and 1 more; short protein forms W3284*, W1940*, W3161*, W555*, W824*, W1943*, W3276*, W216*.
Identifiers: ClinVar variation 1322632 (VCV001322632.8), dbSNP rs398124104, ClinGen allele CA267198.

ClinVar aggregate classification (germline): Pathogenic. Review status: criteria provided, multiple submitters, no conflicts (2 of 4 stars). 2 submissions from 2 submitters: Pathogenic (2). Last evaluated 2022-10-26.

Conditions:
Duchenne muscular dystrophy (DMD). Also called: Duchenne Muscular Dystrophy (DMD); MUSCULAR DYSTROPHY, PSEUDOHYPERTROPHIC PROGRESSIVE, DUCHENNE TYPE. Identifiers: Orphanet 98896, MedGen C0013264, MONDO:0010679, OMIM 310200.

Submissions (2):

Labcorp Genetics (formerly Invitae), Labcorp
Classification: Pathogenic for Duchenne muscular dystrophy. Last evaluated: 2022-10-26. Review status: criteria provided, single submitter. Criteria: Invitae Variant Classification Sherloc (09022015). Collection method: clinical testing. Allele origin: germline.
Comment: This variant is not present in population databases (gnomAD no frequency). This sequence change creates a premature translational stop signal (p.Trp3284*) in the DMD gene. It is expected to result in an absent or disrupted protein product. Loss-of-function variants in DMD are known to be pathogenic (PMID: 16770791, 25007885). This premature translational stop signal has been observed in individual(s) with dilated cardiomyopathy and/or Duchenne muscular dystrophy (PMID: 18652600, 31514951). This variant is also known as c.9839G>A (p.Trp3280X). ClinVar contains an entry for this variant (Variation ID: 1322632). For these reasons, this variant has been classified as Pathogenic.

ARUP Laboratories, Molecular Genetics and Genomics, ARUP Laboratories
Classification: Pathogenic. Last evaluated: 2022-05-02. Review status: criteria provided, single submitter. Criteria: ARUP Molecular Germline Variant Investigation Process 2021. Collection method: clinical testing. Allele origin: germline.
Comment: The DMD c.9851G>A; p.Trp3284Ter variant (rs398124104) is reported in the literature in several individuals affected with Duchenne muscular dystrophy or dilated cardiomyopathy (Gigli 2019, Nishiyama 2008, Takeshima 2010). This variant is reported in ClinVar (Variation ID: 322632) and is absent from the Genome Aggregation Database, indicating it is not a common polymorphism. This variant induces an early termination codon and is predicted to result in a truncated protein or mRNA subject to nonsense-mediated decay. Additionally, several downstream truncating variants have been described in affected individuals (Flanigan 2009, Takeshima 2010). Based on available information, this variant is classified as pathogenic. References: Flanigan K et al. Mutational spectrum of DMD mutations in dystrophinopathy patients: application of modern diagnostic techniques to a large cohort. Hum Mutat. 2009 Dec;30(12):1657-66. PMID: 19937601. Gigli M et al. Genetic Risk of Arrhythmic Phenotypes in Patients With Dilated Cardiomyopathy. J Am Coll Cardiol. 2019 Sep 17;74(11):1480-1490. PMID: 31514951. Nishiyama A et al. Dystrophin nonsense mutations can generate alternative rescue transcripts in lymphocytes. Ann Hum Genet. 2008 Nov;72(Pt 6):717-24. PMID: 18652600. Takeshima Y et al. Mutation spectrum of the dystrophin gene in 442 Duchenne/Becker muscular dystrophy cases from one Japanese referral center. J Hum Genet. 2010 Jun;55(6):379-88. PMID: 20485447.

Literature cited by the submitters: PubMed 16770791 (cited by Labcorp Genetics (formerly Invitae), Labcorp); PubMed 25007885 (cited by Labcorp Genetics (formerly Invitae), Labcorp); PubMed 18652600 (cited by Labcorp Genetics (formerly Invitae), Labcorp); PubMed 31514951 (cited by Labcorp Genetics (formerly Invitae), Labcorp).